The following is an entry in ClinVar:

ClinVar aggregate classification (germline): Uncertain significance (1 of 4 stars; one submission).

Conditions:
Atrioventricular septal defect 4 (AVSD4). Identifiers: MedGen C3280781, MONDO:0013747, OMIM 614430.

gnomAD v4.1: 3 of 1,612,296 alleles (0.00019%); highest among the groups gnomAD compares: Non-Finnish European, 0.00025%; no homozygotes.

Submission:

Labcorp Genetics (formerly Invitae), Labcorp
Classification: Uncertain significance for Atrioventricular septal defect 4. Last evaluated: 2025-12-24. Review status: criteria provided, single submitter. Criteria: Invitae Variant Classification Sherloc (09022015). Collection method: clinical testing. Allele origin: germline.
Comment: This sequence change falls in intron 4 of the GATA4 gene. It does not directly change the encoded amino acid sequence of the GATA4 protein. This variant is not present in population databases (gnomAD no frequency). This variant has not been reported in the literature in individuals affected with GATA4-related conditions. Algorithms developed to predict the effect of sequence changes on RNA splicing suggest that this variant may disrupt the consensus splice site. In summary, the available evidence is currently insufficient to determine the role of this variant in disease. Therefore, it has been classified as a Variant of Uncertain Significance.

NM_001308093.3(GATA4):c.913-7C>A

Gene: GATA4 (GATA binding protein 4). Cytogenetic location: 8p23.1.
Variant type: single nucleotide variant.
Coding change: c.913-7C>A on transcript NM_001308093.3 (MANE Select); 7 bases into the intron before coding-DNA position 913, C replaced by A.
Molecular consequence: intron variant.
Genome position (GRCh38, 1-based): chr8:11,755,039, C>A. VCF-style: chr8-11755039-C-A. GRCh37 (hg19) VCF-style: chr8-11612548-C-A.
Other names: c.292-7C>A (NM_001308094.2, NM_001374273.1); c.910-7C>A (NM_002052.5); c.166-7C>A (NM_001374274.1).
Identifiers: ClinVar variation 4802947 (VCV004802947.1).